The following is an entry in ClinVar:

ClinVar aggregate classification (germline): Uncertain significance. Review status: criteria provided, multiple submitters, no conflicts (2 of 4 stars). 3 submissions from 3 submitters: Uncertain significance (3). Last evaluated 2025-01-13.

Conditions:
Sucrase-isomaltase deficiency (CSID). Also called: Congenital sucrose isomaltose malabsorption; Sucrose isomaltose enzyme deficiency; SI DEFICIENCY; Deficiency of isomaltase. Identifiers: Orphanet 35122, MedGen C1283620, MONDO:0009114, OMIM 222900.

Allele frequency attached by ClinVar (database versions not stated): gnomAD 0.00002.
gnomAD v4.1: 45 of 1,524,270 alleles (0.003%); highest among the groups gnomAD compares: Non-Finnish European, 0.0036%; 1 homozygote.

Submissions (3):

Labcorp Genetics (formerly Invitae), Labcorp
Classification: Uncertain significance. Last evaluated: 2025-01-13. Review status: criteria provided, single submitter. Criteria: Invitae Variant Classification Sherloc (09022015). Collection method: clinical testing. Allele origin: germline.
Comment: This sequence change replaces glycine, which is neutral and non-polar, with valine, which is neutral and non-polar, at codon 218 of the SI protein (p.Gly218Val). The frequency data for this variant in the population databases is considered unreliable, as metrics indicate poor data quality at this position in the gnomAD database. This variant has not been reported in the literature in individuals affected with SI-related conditions. ClinVar contains an entry for this variant (Variation ID: 1517043). Invitae Evidence Modeling of protein sequence and biophysical properties (such as structural, functional, and spatial information, amino acid conservation, physicochemical variation, residue mobility, and thermodynamic stability) indicates that this missense variant is expected to disrupt SI protein function with a positive predictive value of 95%. In summary, the available evidence is currently insufficient to determine the role of this variant in disease. Therefore, it has been classified as a Variant of Uncertain Significance.

GeneDx
Classification: Uncertain significance. Last evaluated: 2024-01-10. Review status: criteria provided, single submitter. Criteria: GeneDx Variant Classification Process June 2021. Collection method: clinical testing. Allele origin: germline. Affected: yes.
Comment: Has not been previously published as pathogenic or benign to our knowledge; In silico analysis supports that this missense variant has a deleterious effect on protein structure/function

Fulgent Genetics
Classification: Uncertain significance for Sucrase-isomaltase deficiency. Last evaluated: 2022-04-05. Review status: criteria provided, single submitter. Criteria: ACMG Guidelines, 2015. Collection method: clinical testing. Allele origin: unknown.

NM_001041.4(SI):c.653G>T (p.Gly218Val)

Gene: SI (sucrase-isomaltase; minus strand). Cytogenetic location: 3q26.1.
Variant type: single nucleotide variant.
Coding change: c.653G>T on transcript NM_001041.4 (MANE Select); coding-DNA position 653, G replaced by T.
Protein change: p.Gly218Val; replaces glycine 218 with valine.
Molecular consequence: missense variant.
Genome position (GRCh38, 1-based): chr3:165,065,415, C>A on the plus strand (G>T on the coding strand, the complement: SI is on the minus strand). VCF-style: chr3-165065415-C-A. GRCh37 (hg19) VCF-style: chr3-164783203-C-A.
Other names: c.653G>T (NM_001041.3); short protein forms G218V.
Identifiers: ClinVar variation 1517043 (VCV001517043.6), dbSNP rs775308282, ClinGen allele CA2691360.
Genomic context (GRCh38, chr3:165,065,415, plus strand): 5'-ATATAATCACTTGGAAGACGGGTTGAGATCTGTAAGTACTGGTCAGAGTACACTAAGGGA[C>A]CAATGCTGGTGTCAAACCTGCACCATAAAAGAAATAAAGAAATAATCTAATATATATATA-3'
Protein context (NP_001032.2, residues 208-228): NGKTLFDTSI[Gly218Val]PLVYSDQYLQ